The following is an entry in ClinVar:

ClinVar aggregate classification (germline): Uncertain significance. Review status: criteria provided, multiple submitters, no conflicts (2 of 4 stars). 2 submissions from 2 submitters: Uncertain significance (2). Last evaluated 2024-11-03.

Conditions:
Hereditary cancer-predisposing syndrome. Also called: Hereditary Cancer Syndrome; Hereditary neoplastic syndrome; Neoplastic Syndromes, Hereditary; Tumor predisposition. Identifiers: Orphanet 140162, MedGen C0027672, MeSH D009386, MONDO:0015356.
Tuberous sclerosis syndrome (TSC). Also called: Tuberous Sclerosis Complex; Tuberous sclerosis. Identifiers: Orphanet 805, MedGen C0041341, MONDO:0001734.

Submissions (2):

Ambry Genetics
Classification: Uncertain significance for Hereditary cancer-predisposing syndrome. Last evaluated: 2024-11-03. Review status: criteria provided, single submitter. Criteria: Ambry Variant Classification Scheme 2023. Collection method: clinical testing. Allele origin: germline.
Comment: The p.E392G variant (also known as c.1175A>G), located in coding exon 11 of the TSC2 gene, results from an A to G substitution at nucleotide position 1175. The glutamic acid at codon 392 is replaced by glycine, an amino acid with similar properties. This amino acid position is conserved. In addition, this alteration is predicted to be deleterious by in silico analysis. Based on the available evidence, the clinical significance of this variant remains unclear.

All of Us Research Program, National Institutes of Health
Classification: Uncertain significance for Tuberous sclerosis syndrome. Last evaluated: 2024-03-05. Review status: criteria provided, single submitter. Criteria: ACMG Guidelines, 2015. Collection method: clinical testing. Allele origin: germline. Inheritance: Autosomal dominant inheritance. Observed: 1 variant allele, 1 heterozygote.
Comment: This study involves interpretation of variants in research participants for the purpose of population health screening. Participant phenotype was not available at the time of variant classification. Additional details can be found in publication PMID: 35346344, PMCID: PMC8962531

NM_000548.5(TSC2):c.1175A>G (p.Glu392Gly)

Gene: TSC2 (TSC complex subunit 2; plus strand). Cytogenetic location: 16p13.3.
Variant type: single nucleotide variant.
Coding change: c.1175A>G on transcript NM_000548.5 (MANE Select); coding-DNA position 1175, A replaced by G.
Protein change: p.Glu392Gly; replaces glutamic acid 392 with glycine.
Molecular consequence: missense variant. On other transcripts: 5 prime UTR variant (10), non-coding transcript variant (5).
Genome position (GRCh38, 1-based): chr16:2,061,926, A>G. VCF-style: chr16-2061926-A-G. GRCh37 (hg19) VCF-style: chr16-2111927-A-G.
Other names: c.1175A>G, p.Glu392Gly (NM_001077183.3, NM_001114382.3, NM_001363528.2 and 6 more transcripts); c.1064A>G, p.Glu355Gly (NM_001318827.2, NM_001406670.1, NM_001406678.1); c.1028A>G, p.Glu343Gly (NM_001318829.2, NM_001406675.1, NM_001406676.1 and 1 more transcripts); c.575A>G, p.Glu192Gly (NM_001318831.2, NM_001406686.1, NM_001406687.1 and 6 more transcripts); c.1208A>G, p.Glu403Gly (NM_001318832.2); c.1265A>G, p.Glu422Gly (NM_001406667.1, NM_001406668.1); c.1163A>G, p.Glu388Gly (NM_001406671.1, NM_001406673.1); c.-170A>G (NM_001406689.1, NM_001406690.1, NM_001406691.1 and 4 more transcripts); and 4 more; short protein forms E192G, E238G, E343G, E355G, E373G, E388G, E392G, E403G.
Identifiers: ClinVar variation 3386161 (VCV003386161.2).